The following is an entry in ClinVar:

ClinVar aggregate classification (germline): Uncertain significance (1 of 4 stars; one submission).

Allele frequency attached by ClinVar (database versions not stated): gnomAD 0.00001.

Submission:

Labcorp Genetics (formerly Invitae), Labcorp
Classification: Uncertain significance. Last evaluated: 2022-05-13. Review status: criteria provided, single submitter. Criteria: Invitae Variant Classification Sherloc (09022015). Collection method: clinical testing. Allele origin: germline.
Comment: This sequence change replaces serine, which is neutral and polar, with arginine, which is basic and polar, at codon 6 of the PROSC protein (p.Ser6Arg). This variant is present in population databases (no rsID available, gnomAD 0.01%). This variant has not been reported in the literature in individuals affected with PROSC-related conditions. Algorithms developed to predict the effect of missense changes on protein structure and function are either unavailable or do not agree on the potential impact of this missense change (SIFT: "Deleterious"; PolyPhen-2: "Benign"; Align-GVGD: "Class C0"). In summary, the available evidence is currently insufficient to determine the role of this variant in disease. Therefore, it has been classified as a Variant of Uncertain Significance.

NM_007198.4(PLPBP):c.18C>G (p.Ser6Arg)

Genes: PLPBP (pyridoxal phosphate binding protein; plus strand), LOC113788277 (Sharpr-MPRA regulatory region 13802; plus strand). Cytogenetic location: 8p11.23.
Variant type: single nucleotide variant.
Coding change: c.18C>G on transcript NM_007198.4 (MANE Select); coding-DNA position 18, C replaced by G.
Protein change: p.Ser6Arg; replaces serine 6 with arginine.
Molecular consequence: missense variant. On other transcripts: 5 prime UTR variant (1).
Genome position (GRCh38, 1-based): chr8:37,762,677, C>G. VCF-style: chr8-37762677-C-G. GRCh37 (hg19) VCF-style: chr8-37620195-C-G.
Other names: c.18C>G, p.Ser6Arg (NM_001349346.2, NM_001349347.2); c.-81C>G (NM_001349348.2); c.123C>G, p.Ser41Arg (NM_001349349.1); short protein forms S41R, S6R.
Identifiers: ClinVar variation 2116605 (VCV002116605.1), dbSNP rs756590941, ClinGen allele CA370665617.